The following is an entry in ClinVar:

ClinVar aggregate classification (germline): Uncertain significance (1 of 4 stars; one submission).

gnomAD v4.1: 6 of 1,510,198 alleles (0.0004%); highest among the groups gnomAD compares: Non-Finnish European, 0.00053%; no homozygotes.

Submission:

Labcorp Genetics (formerly Invitae), Labcorp
Classification: Uncertain significance. Last evaluated: 2024-10-28. Review status: criteria provided, single submitter. Criteria: Invitae Variant Classification Sherloc (09022015). Collection method: clinical testing. Allele origin: germline.
Comment: This sequence change replaces leucine, which is neutral and non-polar, with proline, which is neutral and non-polar, at codon 17 of the SLC13A3 protein (p.Leu17Pro). This variant is not present in population databases (gnomAD no frequency). This variant has not been reported in the literature in individuals affected with SLC13A3-related conditions. ClinVar contains an entry for this variant (Variation ID: 1363309). An algorithm developed to predict the effect of missense changes on protein structure and function outputs the following: PolyPhen-2: "Benign". The proline amino acid residue is found in multiple mammalian species, which suggests that this missense change does not adversely affect protein function. In summary, the available evidence is currently insufficient to determine the role of this variant in disease. Therefore, it has been classified as a Variant of Uncertain Significance.

NM_022829.6(SLC13A3):c.50T>C (p.Leu17Pro)

Gene: SLC13A3 (solute carrier family 13 member 3; minus strand). Cytogenetic location: 20q13.12.
Variant type: single nucleotide variant.
Coding change: c.50T>C on transcript NM_022829.6 (MANE Select); coding-DNA position 50, T replaced by C.
Protein change: p.Leu17Pro; replaces leucine 17 with proline.
Molecular consequence: missense variant. On other transcripts: 5 prime UTR variant (1), intron variant (2).
Genome position (GRCh38, 1-based): chr20:46,651,372, A>G on the plus strand (T>C on the coding strand, the complement: SLC13A3 is on the minus strand). VCF-style: chr20-46651372-A-G. GRCh37 (hg19) VCF-style: chr20-45280011-A-G.
Other names: c.50T>C, p.Leu17Pro (NM_001193339.2); c.-72T>C (NM_001193342.2); c.-31+18671T>C (NM_001193340.2, NM_001011554.3); short protein forms L17P.
Identifiers: ClinVar variation 1363309 (VCV001363309.7), dbSNP rs1433359659, ClinGen allele CA409264098.